The following is an entry in ClinVar:

NM_001267550.2(TTN):c.106121T>A (p.Phe35374Tyr)

Genes: TTN (titin; minus strand), TTN-AS1 (TTN antisense RNA 1; plus strand), LOC129935182 (ATAC-STARR-seq lymphoblastoid active region 16807; plus strand). Cytogenetic location: 2q31.2.
Variant type: single nucleotide variant.
Coding change: c.106121T>A on transcript NM_001267550.2 (MANE Select); coding-DNA position 106121, T replaced by A.
Protein change: p.Phe35374Tyr; replaces phenylalanine 35374 with tyrosine.
Molecular consequence: missense variant.
Genome position (GRCh38, 1-based): chr2:178,530,494, A>T on the plus strand (T>A on the coding strand, the complement: TTN is on the minus strand). VCF-style: chr2-178530494-A-T. GRCh37 (hg19) VCF-style: chr2-179395221-A-T.
Other names: p.F33733Y:TTT>TAT; c.78926T>A, p.Phe26309Tyr (NM_003319.4); c.79301T>A, p.Phe26434Tyr (NM_133432.3); c.79502T>A, p.Phe26501Tyr (NM_133437.4); c.101198T>A, p.Phe33733Tyr (NM_001256850.1); c.98417T>A, p.Phe32806Tyr (NM_133378.4); short protein forms F32806Y, F35374Y, F33733Y, F26434Y, F26501Y, F26309Y.
Identifiers: ClinVar variation 179078 (VCV000179078.37), dbSNP rs727504609, ClinGen allele CA183679.
Genomic context (GRCh38, chr2:178,530,494, plus strand): 5'-TTCTTAGTTTCTGATATTTTTGATACCTTCTCATGGATACTCTTAAAGGCTTGCCCCATA[A>T]ATTGTAAGTTGGTTTTAGACGTTCCACCTTCACCAGAAATCTCACAAACATATTCTCCTT-3'
Protein context (NP_001254479.2, residues 35364-35384): EGGTSKTNLQ[Phe35374Tyr]MGQAFKSIHE

ClinVar aggregate classification (germline): Conflicting classifications of pathogenicity. Review status: criteria provided, conflicting classifications (1 of 4 stars). 7 submissions from 7 submitters: Uncertain significance (2); Likely benign (5). Last evaluated 2026-02-17.

Conditions:
TTN-related disorder. Also called: TTN-related condition; TTN-related disease; TTN-related disorders.
Cardiovascular phenotype. Identifiers: MedGen CN230736.
Dilated cardiomyopathy 1G (CMD1G). Identifiers: Orphanet 154, MedGen C1858763, MONDO:0011400, OMIM 604145.
Autosomal recessive limb-girdle muscular dystrophy type 2J (LGMDR10). Also called: Limb-girdle muscular dystrophy, type 2J; MUSCULAR DYSTROPHY, LIMB-GIRDLE, AUTOSOMAL RECESSIVE 10. Identifiers: Orphanet 140922, MedGen C1837342, MONDO:0012127, OMIM 608807.

Allele frequency attached by ClinVar (database versions not stated): gnomAD 0.00011; gnomAD exomes 0.00011 and 0.00020; TOPMed 0.00014; ExAC 0.00016.
gnomAD v4.1: 180 of 1,613,788 alleles (0.011%); highest among the groups gnomAD compares: Non-Finnish European, 0.0015%; no homozygotes.

Submissions (7):

PreventionGenetics, part of Exact Sciences
Classification: Likely benign for TTN-related condition. Last evaluated: 2026-02-17. Review status: criteria provided, single submitter. Criteria: ACMG Guidelines, 2015. Collection method: clinical testing. Allele origin: germline.
Comment: This variant is classified as likely benign based on ACMG/AMP sequence variant interpretation guidelines (Richards et al. 2015 PMID: 25741868, with internal and published modifications).

Women's Health and Genetics/Laboratory Corporation of America, LabCorp
Classification: Likely benign. Last evaluated: 2026-02-06. Review status: criteria provided, single submitter. Criteria: LabCorp Variant Classification Summary - May 2015. Collection method: clinical testing. Allele origin: germline.
Comment: Variant summary: TTN c.98417T>A (p.Phe32806Tyr) results in a conservative amino acid change in the encoded protein sequence. Algorithms developed to predict the effect of missense changes on protein structure and function are either unavailable or do not agree on the potential impact of this missense change. The variant allele was found at a frequency of 0.00011 in 1613788 control chromosomes, predominantly at a frequency of 0.0051 within the Ashkenazi Jewish subpopulation in the gnomAD database. The observed variant frequency within Ashkenazi Jewish control individuals in the gnomAD database exceeds the estimated maximal expected allele frequency for disease-causing variants in TTN. c.98417T>A has been observed in an individual affected with Dilated Cardiomyopathy (Ceyhan-Birsoy_2016) and an individual suspected of Autosomal Recessive Titinopathy (Hayes_2024), however in both cases these individuals also harbored other variants that may account for their respective phenotypes. Therefore, these reports do not provide unequivocal conclusions about association of the variant with TTN-related conditions. To our knowledge, no experimental evidence demonstrating an impact on protein function has been reported. The following publications have been ascertained in the context of this evaluation (PMID: 27066507, 39967429). ClinVar contains an entry for this variant (Variation ID: 179078). Based on the evidence outlined above, the variant was classified as likely benign.

Labcorp Genetics (formerly Invitae), Labcorp
Classification: Likely benign for Dilated cardiomyopathy 1G; Autosomal recessive limb-girdle muscular dystrophy type 2J. Last evaluated: 2026-02-03. Review status: criteria provided, single submitter. Criteria: Invitae Variant Classification Sherloc (09022015). Collection method: clinical testing. Allele origin: germline.

Ambry Genetics
Classification: Likely benign for Cardiovascular phenotype. Last evaluated: 2021-11-04. Review status: criteria provided, single submitter. Criteria: Ambry Variant Classification Scheme 2023. Collection method: clinical testing. Allele origin: germline.

GeneDx
Classification: Likely benign. Last evaluated: 2021-05-20. Review status: criteria provided, single submitter. Criteria: GeneDx Variant Classification Process June 2021. Collection method: clinical testing. Allele origin: germline. Affected: yes.
Comment: This variant is associated with the following publications: (PMID: 29263846)

Eurofins Ntd Llc (ga)
Classification: Uncertain significance. Last evaluated: 2015-04-22. Review status: criteria provided, single submitter. Criteria: EGL Classification Definitions 2015. Collection method: clinical testing. Allele origin: germline. Observed: 2 variant alleles, 2 heterozygotes.

Laboratory for Molecular Medicine, Mass General Brigham Personalized Medicine
Classification: Uncertain significance. Last evaluated: 2013-06-26. Review status: criteria provided, single submitter. Criteria: LMM Criteria. Collection method: clinical testing. Allele origin: germline. Observed: 1 variant allele.
Comment: The Phe32806Tyr variant in TTN has not been reported in individuals with cardiom yopathy or in large population studies. Computational analyses (biochemical amin o acid properties, conservation, AlignGVGD, PolyPhen2, and SIFT) do not provide strong support for or against an impact to the protein. Additional information is needed to fully assess the clinical significance of this variant.

Literature cited by the submitters: PubMed 27066507 (cited by Women's Health and Genetics/Laboratory Corporation of America, LabCorp); PubMed 39967429 (cited by Women's Health and Genetics/Laboratory Corporation of America, LabCorp).